The following is an entry in ClinVar:

ClinVar aggregate classification (germline): Likely benign. Review status: criteria provided, multiple submitters, no conflicts (2 of 4 stars). 4 submissions from 3 submitters: Likely benign (3). 1 of the submissions does not count toward it. Last evaluated 2026-01-11.

Conditions:
LAMB2-related disorder. Also called: LAMB2-related condition.
Pierson syndrome. Also called: MICROCORIA-CONGENITAL NEPHROTIC SYNDROME. Identifiers: Orphanet 2670, MedGen C1836876, MONDO:0012184, OMIM 609049.
LAMB2-related infantile-onset nephrotic syndrome. Also called: NEPHROTIC SYNDROME, TYPE 5, WITHOUT OCULAR ABNORMALITIES; NEPHROTIC SYNDROME, TYPE 5, WITH OCULAR ABNORMALITIES; Nephrotic Syndrome, type 5. Identifiers: Orphanet 306507, MedGen C3280113, MONDO:0013621, OMIM 614199.

Allele frequency attached by ClinVar (database versions not stated): ExAC 0.00041; 1000 Genomes Project 30x 0.00109; 1000 Genomes Project 0.00120; ESP Exome Variant Server 0.00138; gnomAD 0.00175; TOPMed 0.00182.
gnomAD v4.1: 425 of 1,614,200 alleles (0.026%); highest among the groups gnomAD compares: African/African-American, 0.44%; 3 homozygotes.

Submissions (4):

Labcorp Genetics (formerly Invitae), Labcorp
Classification: Likely benign for LAMB2-related infantile-onset nephrotic syndrome; Pierson syndrome. Last evaluated: 2026-01-11. Review status: criteria provided, single submitter. Criteria: Invitae Variant Classification Sherloc (09022015). Collection method: clinical testing. Allele origin: germline.

Illumina Laboratory Services, Illumina
Classification: Likely benign for Pierson syndrome. Last evaluated: 2018-01-12. Review status: criteria provided, single submitter. Criteria: ICSL Variant Classification Criteria 13 December 2019. Collection method: clinical testing. Allele origin: germline.
Comment: This variant was observed in the ICSL laboratory as part of a predisposition screen in an ostensibly healthy population. It had not been previously curated by ICSL or reported in the Human Gene Mutation Database (HGMD: prior to June 1st, 2018), and was therefore a candidate for classification through an automated scoring system. Utilizing variant allele frequency, disease prevalence and penetrance estimates, and inheritance mode, an automated score was calculated to assess if this variant is too frequent to cause the disease. Based on the score and internal cut-off values, a variant classified as likely benign is not then subjected to further curation. The score for this variant resulted in a classification of likely benign for this disease.

Illumina Laboratory Services, Illumina
Classification: Likely benign for LAMB2-related infantile-onset nephrotic syndrome. Last evaluated: 2018-01-12. Review status: criteria provided, single submitter. Criteria: ICSL Variant Classification Criteria 13 December 2019. Collection method: clinical testing. Allele origin: germline.
Comment: the same text as in the submission from Illumina Laboratory Services, Illumina above.

PreventionGenetics, part of Exact Sciences
Classification: Likely benign for LAMB2-related condition. Last evaluated: 2021-05-21. Review status: no assertion criteria provided. Collection method: clinical testing. Allele origin: germline. Not counted in ClinVar's aggregate classification.
Comment: This variant is classified as likely benign based on ACMG/AMP sequence variant interpretation guidelines (Richards et al. 2015 PMID: 25741868, with internal and published modifications).

NM_002292.4(LAMB2):c.3875A>T (p.Asn1292Ile)

Gene: LAMB2 (laminin subunit beta 2; minus strand). Cytogenetic location: 3p21.31.
Variant type: single nucleotide variant.
Coding change: c.3875A>T on transcript NM_002292.4 (MANE Select); coding-DNA position 3875, A replaced by T.
Protein change: p.Asn1292Ile; replaces asparagine 1292 with isoleucine.
Molecular consequence: missense variant.
Genome position (GRCh38, 1-based): chr3:49,123,554, T>A on the plus strand (A>T on the coding strand, the complement: LAMB2 is on the minus strand). VCF-style: chr3-49123554-T-A. GRCh37 (hg19) VCF-style: chr3-49160987-T-A.
Other names: short protein forms N1292I.
Identifiers: ClinVar variation 472483 (VCV000472483.16), dbSNP rs148246465, ClinGen allele CA2393920.
Genomic context (GRCh38, chr3:49,123,554, plus strand): 5'-CGCAGTGTGAGATTAAGTGCAAGCCTATCTCGCTCCAGACCACTTAGTGCATGGTTGGCA[T>A]TGAAGTTCTCATCTTGCACATCTGTCAGGTCTGCCTCGAGCTGAGTCAGGTGCTCAGTGG-3'
Protein context (NP_002283.3, residues 1282-1302): DLTDVQDENF[Asn1292Ile]ANHALSGLER